The following is an entry in ClinVar:

NM_024529.5(CDC73):c.811C>G (p.Pro271Ala)

Gene: CDC73 (cell division cycle 73; plus strand). Cytogenetic location: 1q31.2.
Variant type: single nucleotide variant.
Coding change: c.811C>G on transcript NM_024529.5 (MANE Select); coding-DNA position 811, C replaced by G.
Protein change: p.Pro271Ala; replaces proline 271 with alanine.
Molecular consequence: missense variant.
Genome position (GRCh38, 1-based): chr1:193,147,948, C>G. VCF-style: chr1-193147948-C-G. GRCh37 (hg19) VCF-style: chr1-193117078-C-G.
Other names: c.811C>G (NM_024529.4); short protein forms P271A.
Identifiers: ClinVar variation 1026535 (VCV001026535.11), dbSNP rs765029460, ClinGen allele CA1303464.
Genomic context (GRCh38, chr1:193,147,948, plus strand): 5'-GCAATTCTTCAATCTGTAAAAGCCAGAGAAGAAGGGCGTGCACCTGAACAGCGACCTGCC[C>G]CAAATGCAGCACCTGTGGTAAGAATGCTTTACTGCTTTACAGTAGATTTAATGAAGTTGC-3'
Protein context (NP_078805.3, residues 261-281): EGRAPEQRPA[Pro271Ala]NAAPVDPTLR

ClinVar aggregate classification (germline): Uncertain significance. Review status: criteria provided, multiple submitters, no conflicts (2 of 4 stars). 3 submissions from 3 submitters: Uncertain significance (3). Last evaluated 2025-02-03.

Conditions:
Parathyroid carcinoma (PRTC). Also called: Parathyroid gland carcinoma; CDC73-Related Parathyroid Carcinoma. Identifiers: Orphanet 143, MedGen C0687150, MONDO:0012004, OMIM 608266, HP:0006780.
Hyperparathyroidism 2 with jaw tumors. Also called: Hyperparathyroidism 2; Hyperparathyroidism-Jaw Tumor Syndrome; HYPERPARATHYROIDISM, FAMILIAL PRIMARY, WITH MULTIPLE OSSIFYING JAW FIBROMAS; HYPERPARATHYROIDISM-JAW TUMOR SYNDROME, HEREDITARY. Identifiers: Orphanet 99880, MedGen C1704981, MONDO:0007768, OMIM 145001.
Hyperparathyroidism 1 (HRPT1). Also called: HYPERPARATHYROIDISM, FAMILIAL ISOLATED PRIMARY. Identifiers: Orphanet 99879, MedGen C1840402, MONDO:0007767, OMIM 145000.
Hereditary cancer-predisposing syndrome. Also called: Hereditary neoplastic syndrome; Neoplastic Syndromes, Hereditary; Tumor predisposition; Hereditary Cancer Syndrome. Identifiers: Orphanet 140162, MedGen C0027672, MeSH D009386, MONDO:0015356.

Allele frequency attached by ClinVar (database versions not stated): gnomAD exomes below 0.00001; ExAC 0.00001.
gnomAD v4.1: 2 of 1,611,316 alleles (0.00012%); highest among the groups gnomAD compares: Admixed American, 0.0017%; no homozygotes.

Submissions (3):

Ambry Genetics
Classification: Uncertain significance for Hereditary cancer-predisposing syndrome. Last evaluated: 2025-02-03. Review status: criteria provided, single submitter. Criteria: Ambry Variant Classification Scheme 2023. Collection method: clinical testing. Allele origin: germline.
Comment: The p.P271A variant (also known as c.811C>G), located in coding exon 8 of the CDC73 gene, results from a C to G substitution at nucleotide position 811. The proline at codon 271 is replaced by alanine, an amino acid with highly similar properties. This amino acid position is conserved. In addition, this alteration is predicted to be tolerated by in silico analysis. Based on the available evidence, the clinical significance of this variant remains unclear.

Labcorp Genetics (formerly Invitae), Labcorp
Classification: Uncertain significance for Parathyroid carcinoma. Last evaluated: 2023-12-14. Review status: criteria provided, single submitter. Criteria: Invitae Variant Classification Sherloc (09022015). Collection method: clinical testing. Allele origin: germline.
Comment: This sequence change replaces proline, which is neutral and non-polar, with alanine, which is neutral and non-polar, at codon 271 of the CDC73 protein (p.Pro271Ala). This variant is present in population databases (rs765029460, gnomAD 0.003%). This variant has not been reported in the literature in individuals affected with CDC73-related conditions. ClinVar contains an entry for this variant (Variation ID: 1026535). Advanced modeling of protein sequence and biophysical properties (such as structural, functional, and spatial information, amino acid conservation, physicochemical variation, residue mobility, and thermodynamic stability) performed at Invitae indicates that this missense variant is not expected to disrupt CDC73 protein function with a negative predictive value of 80%. In summary, the available evidence is currently insufficient to determine the role of this variant in disease. Therefore, it has been classified as a Variant of Uncertain Significance.

Fulgent Genetics
Classification: Uncertain significance for Hyperparathyroidism 1; Hyperparathyroidism 2 with jaw tumors; Parathyroid carcinoma. Last evaluated: 2021-12-30. Review status: criteria provided, single submitter. Criteria: ACMG Guidelines, 2015. Collection method: clinical testing. Allele origin: unknown.